The following is an entry in ClinVar:

NM_033004.4(NLRP1):c.3892G>A (p.Gly1298Arg)

Gene: NLRP1 (NLR family pyrin domain containing 1; minus strand). Cytogenetic location: 17p13.2.
Variant type: single nucleotide variant.
Coding change: c.3892G>A on transcript NM_033004.4 (MANE Select); coding-DNA position 3892, G replaced by A.
Protein change: p.Gly1298Arg; replaces glycine 1298 with arginine.
Molecular consequence: missense variant. On other transcripts: intron variant (2).
Genome position (GRCh38, 1-based): chr17:5,520,904, C>T on the plus strand (G>A on the coding strand, the complement: NLRP1 is on the minus strand). VCF-style: chr17-5520904-C-T. GRCh37 (hg19) VCF-style: chr17-5424224-C-T.
Other names: c.3904G>A, p.Gly1302Arg (NM_001033053.3); c.3802G>A, p.Gly1268Arg (NM_033006.4); c.3693+620G>A (NM_033007.4); c.3783+620G>A (NM_014922.5); short protein forms G1298R, G1268R, G1302R.
Identifiers: ClinVar variation 1409240 (VCV001409240.9), dbSNP rs2151741686, ClinGen allele CA397388705.
Genomic context (GRCh38, chr17:5,520,904, plus strand): 5'-CTGTTCGCAGTGAAGAGGCAGACACTGGGCTGCTCACCTTGGGGAGTATTTCCAGCATCC[C>T]TGAACCAGACCCAGACACAGTGTAACGACAGCCCATATAAAGTGGGGTCAGCGGGGGTGG-3'
Protein context (NP_127497.1, residues 1288-1308): CRYTVSGSGS[Gly1298Arg]MLEILPKELE

ClinVar aggregate classification (germline): Uncertain significance. Review status: criteria provided, multiple submitters, no conflicts (2 of 4 stars). 2 submissions from 2 submitters: Uncertain significance (2). Last evaluated 2025-05-19.

Conditions:
Autoinflammation with arthritis and dyskeratosis (AIADK). Identifiers: MedGen C4479278, MONDO:0060457, OMIM 617388.

gnomAD v4.1: 2 of 1,608,342 alleles (0.00012%); highest among the groups gnomAD compares: Middle Eastern, 0.017%; no homozygotes.

Submissions (2):

Labcorp Genetics (formerly Invitae), Labcorp
Classification: Uncertain significance. Last evaluated: 2025-05-19. Review status: criteria provided, single submitter. Criteria: Invitae Variant Classification Sherloc (09022015). Collection method: clinical testing. Allele origin: germline.
Comment: This sequence change replaces glycine, which is neutral and non-polar, with arginine, which is basic and polar, at codon 1298 of the NLRP1 protein (p.Gly1298Arg). This variant is not present in population databases (gnomAD no frequency). This variant has not been reported in the literature in individuals affected with NLRP1-related conditions. ClinVar contains an entry for this variant (Variation ID: 1409240). An algorithm developed to predict the effect of missense changes on protein structure and function outputs the following: PolyPhen-2: "Probably Damaging". The arginine amino acid residue is found in multiple mammalian species, which suggests that this missense change does not adversely affect protein function. In summary, the available evidence is currently insufficient to determine the role of this variant in disease. Therefore, it has been classified as a Variant of Uncertain Significance.

3billion
Classification: Uncertain significance for Autoinflammation with arthritis and dyskeratosis. Last evaluated: 2023-11-12. Review status: criteria provided, single submitter. Criteria: ACMG Guidelines, 2015. Collection method: clinical testing. Allele origin: germline. Affected: yes.
Comment: The variant is not observed in the gnomAD v2.1.1 dataset. Predicted Consequence/Location: Missense changes are a common disease-causing mechanism. In silico tools predict the variant to alter splicing and produce an abnormal transcript [SpliceAI: 0.20 (>=0.2, moderate evidence for spliceogenicity)]. Therefore, this variant is classified as VUS according to the recommendation of ACMG/AMP guideline.